The following is an entry in ClinVar:

NM_000038.6(APC):c.3429T>A (p.Tyr1143Ter)

Gene: APC (APC regulator of Wnt signaling pathway; plus strand). Cytogenetic location: 5q22.2.
Variant type: single nucleotide variant.
Coding change: c.3429T>A on transcript NM_000038.6 (MANE Select); coding-DNA position 3429, T replaced by A.
Protein change: p.Tyr1143Ter; replaces tyrosine 1143 with a stop codon.
Molecular consequence: nonsense. On other transcripts: non-coding transcript variant (2).
Genome position (GRCh38, 1-based): chr5:112,839,023, T>A. VCF-style: chr5-112839023-T-A. GRCh37 (hg19) VCF-style: chr5-112174720-T-A.
Other names: c.3429T>A, p.Tyr1143Ter (NM_001127510.3, NM_001354895.2, NM_001407450.1); c.3375T>A, p.Tyr1125Ter (NM_001127511.3); c.3483T>A, p.Tyr1161Ter (NM_001354896.2, NM_001407447.1, NM_001407448.1 and 1 more transcripts); c.3459T>A, p.Tyr1153Ter (NM_001354897.2); c.3354T>A, p.Tyr1118Ter (NM_001354898.2); c.3345T>A, p.Tyr1115Ter (NM_001354899.2); c.3306T>A, p.Tyr1102Ter (NM_001354900.2); c.3252T>A, p.Tyr1084Ter (NM_001354901.2, NM_001407453.1); and 11 more; short protein forms Y1014*, Y1017*, Y1042*, Y1052*, Y1060*, Y1084*, Y1102*, Y1115*.
Identifiers: ClinVar variation 2583939 (VCV002583939.3), dbSNP rs1554084999, ClinGen allele CA16028848.

ClinVar aggregate classification (germline): Pathogenic. Review status: criteria provided, multiple submitters, no conflicts (2 of 4 stars). 2 submissions from 2 submitters: Pathogenic (2). Last evaluated 2023-05-08.

Conditions:
Familial adenomatous polyposis 1 (FAP1). Also called: FAMILIAL ADENOMATOUS POLYPOSIS 1, ATTENUATED; POLYPOSIS, ADENOMATOUS INTESTINAL. Identifiers: MedGen C2713442, MONDO:0021056, OMIM 175100. Disease mechanism: loss of function.
Hereditary cancer-predisposing syndrome. Also called: Hereditary neoplastic syndrome; Tumor predisposition; Hereditary Cancer Syndrome; Neoplastic Syndromes, Hereditary. Identifiers: Orphanet 140162, MedGen C0027672, MeSH D009386, MONDO:0015356.

Submissions (2):

Myriad Genetics, Inc.
Classification: Pathogenic for Familial adenomatous polyposis 1. Last evaluated: 2023-05-08. Review status: criteria provided, single submitter. Criteria: Myriad Autosomal Dominant, Autosomal Recessive and X-Linked Classification Criteria (2023). Collection method: clinical testing. Allele origin: unknown.
Comment: This variant is considered pathogenic. This variant creates a termination codon and is predicted to result in premature protein truncation.

Color Diagnostics, LLC DBA Color Health
Classification: Pathogenic for Hereditary cancer-predisposing syndrome. Last evaluated: 2021-11-15. Review status: criteria provided, single submitter. Criteria: ACMG Guidelines, 2015. Collection method: clinical testing. Allele origin: germline.
Comment: This variant changes 1 nucleotide in exon 16 of the APC gene, creating a premature translation stop signal. This variant is expected to result in an absent or non-functional protein product. To our knowledge, this variant has not been reported in individuals affected with hereditary cancer in the literature. Another variant resulting in the same truncation (c.3429T>G, p.Tyr1143*) has been reported in an individual affected with Familial adenomatous polyposis (PMID: 12702169). This variant has not been identified in the general population by the Genome Aggregation Database (gnomAD). Loss of APC function is a known mechanism of disease. Based on the available evidence, this variant is classified as Pathogenic.

Literature cited by the submitters: PubMed 12702169 (cited by Color Diagnostics, LLC DBA Color Health).